The following is an entry in ClinVar:

NM_000523.4(HOXD13):c.212_213insGGCGGCTGCGGCGGCGGCAGCGGCAGC (p.Ala63_Ala71dup)

Gene: HOXD13 (homeobox D13; plus strand). Cytogenetic location: 2q31.1.
Variant type: Insertion.
Coding change: c.212_213insGGCGGCTGCGGCGGCGGCAGCGGCAGC on transcript NM_000523.4 (MANE Select); coding-DNA positions 212 to 213, GGCGGCTGCGGCGGCGGCAGCGGCAGC inserted.
Protein change: p.Ala63_Ala71dup.
Molecular consequence: inframe insertion.
Genome position: GRCh38 VCF-style: chr2-176093094-G-GGCGGCAGCGGCGGCTGCGGCGGCGGCA. GRCh37 (hg19) VCF-style: chr2-176957822-G-GGCGGCAGCGGCGGCTGCGGCGGCGGCA.
Identifiers: ClinVar variation 916250 (VCV000916250.48), dbSNP rs775525473, ClinGen allele CA1139657478.

ClinVar aggregate classification (germline): Pathogenic. Review status: criteria provided, multiple submitters, no conflicts (2 of 4 stars). 4 submissions from 4 submitters: Pathogenic (3). 1 of the submissions does not count toward it. Last evaluated 2021-10-25.

Conditions:
Synpolydactyly type 1. Identifiers: Orphanet 295195, MedGen C5574994, MONDO:0008513, OMIM 186000.

Submissions (4):

Labcorp Genetics (formerly Invitae), Labcorp
Classification: Pathogenic. Last evaluated: 2021-10-25. Review status: criteria provided, single submitter. Criteria: Invitae Variant Classification Sherloc (09022015). Collection method: clinical testing. Allele origin: germline.
Comment: Algorithms developed to predict the effect of variants on protein structure and function are not available or were not evaluated for this variant. This variant, c.212_213ins27, results in the insertion of 9 amino acid(s) of the HOXD13 protein (p.Ala63_Ala71dup), but otherwise preserves the integrity of the reading frame. This variant is not present in population databases (gnomAD no frequency). This variant has been observed in individuals with clinical features of synpolydactyly (PMID: 7666393, 8817328; Invitae). It has also been observed to segregate with disease in related individuals. ClinVar contains an entry for this variant (Variation ID: 916250). Experimental studies have shown that this variant affects HOXD13 function (PMID: 15333588). For these reasons, this variant has been classified as Pathogenic.

Institute for Genomic Medicine, Nationwide Children's Hospital
Classification: Pathogenic for Synpolydactyly type 1. Last evaluated: 2021-03-25. Review status: criteria provided, single submitter. Criteria: ACMG Guidelines, 2015. Collection method: research. Allele origin: inherited. Inheritance: Autosomal dominant inheritance. Affected: yes. Observed: 4 variant alleles, 4 heterozygotes. Clinical features observed: Polysyndactyly of hands and feet.
Comment: The c.212_213insGGCGGCTGCGGCGGCGGCAGCGGCAGC variant is predicted to cause a 9-residue expansion of the polyalanine tract in exon 1 of HOXD13. This variant was first reported to cause dominant synpolydactyly more than 20 years ago (PMID: 8817328) and has since been described in multiple unrelated synpolydactyly kindreds (PMID: 16222680). In our research study, long-read whole genome sequencing on the Pacific Biosciences platform uncovered the same variant in a family with synpolydactyly documented across five generations. Sanger sequencing confirmed variant segregation in four affected individuals from three generations. The variant is absent from population frequency databases (gnomAD). Functional studies of the polyalanine repeat in exon 1 have shown that an increase of the Ala repeat above a certain length (22 Ala) is associated with a shift in the localization of Hoxd13 from nuclear to cytoplasmic, where it forms large amorphous aggregates (PMID: 15333588). We interpret the variant as pathogenic.

CeGaT Center for Human Genetics Tuebingen
Classification: Pathogenic. Last evaluated: 2020-03-01. Review status: criteria provided, single submitter. Criteria: CeGaT Center For Human Genetics Tuebingen Variant Classification Criteria Version 2. Collection method: clinical testing. Allele origin: germline. Affected: yes. Observed: 1 variant allele.

OMIM
Classification: Pathogenic for SYNPOLYDACTYLY 1. Last evaluated: 2005-11-01. Review status: no assertion criteria provided. Collection method: literature only. Allele origin: germline. Not counted in ClinVar's aggregate classification.

Literature cited by the submitters: PubMed 7666393 (cited by Labcorp Genetics (formerly Invitae), Labcorp and OMIM); PubMed 8817328 (cited by 3 submitters); PubMed 15333588 (cited by Labcorp Genetics (formerly Invitae), Labcorp and Institute for Genomic Medicine, Nationwide Children's Hospital); PubMed 16222680 (cited by Institute for Genomic Medicine, Nationwide Children's Hospital and OMIM); PubMed 9207113 (cited by OMIM); PubMed 8620844 (cited by OMIM); PubMed 14698619 (cited by OMIM); PubMed 15917204 (cited by OMIM).